The following is an entry in ClinVar:

ClinVar aggregate classification (germline): Uncertain significance (1 of 4 stars; one submission).

Allele frequency attached by ClinVar (database versions not stated): gnomAD 0.00001; gnomAD exomes 0.00002; TOPMed 0.00002; ExAC 0.00004.
gnomAD v4.1: 26 of 1,441,566 alleles (0.0018%); highest among the groups gnomAD compares: Admixed American, 0.0074%; no homozygotes.

Submission:

Labcorp Genetics (formerly Invitae), Labcorp
Classification: Uncertain significance. Last evaluated: 2022-03-01. Review status: criteria provided, single submitter. Criteria: Invitae Variant Classification Sherloc (09022015). Collection method: clinical testing. Allele origin: germline.
Comment: This sequence change falls in intron 6 of the MICU1 gene. It does not directly change the encoded amino acid sequence of the MICU1 protein. It affects a nucleotide within the consensus splice site. This variant is present in population databases (rs774161227, gnomAD 0.01%). This variant has not been reported in the literature in individuals affected with MICU1-related conditions. Variants that disrupt the consensus splice site are a relatively common cause of aberrant splicing (PMID: 17576681, 9536098). Experimental studies and prediction algorithms are not available or were not evaluated, and the effect of this variant on mRNA splicing is currently unknown. In summary, the available evidence is currently insufficient to determine the role of this variant in disease. Therefore, it has been classified as a Variant of Uncertain Significance.

Literature cited by the submitters: PubMed 17576681; PubMed 9536098.

NM_001195518.2(MICU1):c.538-3T>C

Gene: MICU1 (mitochondrial calcium uptake 1; minus strand). Cytogenetic location: 10q22.1.
Variant type: single nucleotide variant.
Coding change: c.538-3T>C on transcript NM_001195518.2 (MANE Select); 3 bases into the intron before coding-DNA position 538, T replaced by C.
Molecular consequence: intron variant.
Genome position (GRCh38, 1-based): chr10:72,508,272, A>G on the plus strand (T>C on the coding strand, the complement: MICU1 is on the minus strand). VCF-style: chr10-72508272-A-G. GRCh37 (hg19) VCF-style: chr10-74268030-A-G.
Other names: c.544-3T>C (NM_006077.4); c.556-3T>C (NM_001363513.2); c.58+15530T>C (NM_001195519.2).
Identifiers: ClinVar variation 1917854 (VCV001917854.4), dbSNP rs774161227, ClinGen allele CA5550210.